The following is an entry in ClinVar:

ClinVar aggregate classification (germline): Uncertain significance (1 of 4 stars; one submission).

Submission:

GeneDx
Classification: Uncertain significance. Last evaluated: 2023-01-03. Review status: criteria provided, single submitter. Criteria: GeneDx Variant Classification Process June 2021. Collection method: clinical testing. Allele origin: germline. Affected: yes.
Comment: Not observed at significant frequency in large population cohorts (gnomAD); In silico analysis supports that this missense variant does not alter protein structure/function; Has not been previously published as pathogenic or benign to our knowledge

NM_001110556.2(FLNA):c.7761C>A (p.Asn2587Lys)

Genes: FLNA (filamin A; minus strand), LOC107988032 (Xq28 proximal FLNA-EMD recombination region; plus strand). Cytogenetic location: Xq28.
Variant type: single nucleotide variant.
Coding change: c.7761C>A on transcript NM_001110556.2 (MANE Select); coding-DNA position 7761, C replaced by A.
Protein change: p.Asn2587Lys; replaces asparagine 2587 with lysine.
Molecular consequence: missense variant.
Genome position (GRCh38, 1-based): chrX:154,349,032, G>T on the plus strand (C>A on the coding strand, the complement: FLNA is on the minus strand). VCF-style: chrX-154349032-G-T. GRCh37 (hg19) VCF-style: chrX-153577400-G-T.
Other names: c.7737C>A, p.Asn2579Lys (NM_001456.4); short protein forms N2579K, N2587K.
Identifiers: ClinVar variation 2507375 (VCV002507375.1), dbSNP rs373679124, ClinGen allele CA415178873.